The following is an entry in ClinVar:

NM_001943.5(DSG2):c.1670A>G (p.Gln557Arg)

Gene: DSG2 (desmoglein 2; plus strand). Cytogenetic location: 18q12.1.
Variant type: single nucleotide variant.
Coding change: c.1670A>G on transcript NM_001943.5 (MANE Select); coding-DNA position 1670, A replaced by G.
Protein change: p.Gln557Arg; replaces glutamine 557 with arginine.
Molecular consequence: missense variant.
Genome position (GRCh38, 1-based): chr18:31,538,769, A>G. VCF-style: chr18-31538769-A-G. GRCh37 (hg19) VCF-style: chr18-29118732-A-G.
Other names: short protein forms Q557R.
Identifiers: ClinVar variation 1777671 (VCV001777671.8), dbSNP rs2073247474, ClinGen allele CA402136867.

ClinVar aggregate classification (germline): Uncertain significance. Review status: criteria provided, multiple submitters, no conflicts (2 of 4 stars). 4 submissions from 4 submitters: Uncertain significance (4). Last evaluated 2024-02-22.

Conditions:
Cardiovascular phenotype. Identifiers: MedGen CN230736.
Arrhythmogenic right ventricular dysplasia 10. Also called: Arrhythmogenic Right Ventricular Dysplasia/Cardiomyopathy10; ARRHYTHMOGENIC RIGHT VENTRICULAR DYSPLASIA, FAMILIAL, 10; Arrhythmogenic right ventricular dysplasia/cardiomyopathy, type 10. Identifiers: MedGen C1857777, MONDO:0012434, OMIM 610193.
Cardiomyopathy (CMYO). Also called: Cardiomyopathies. Identifiers: Orphanet 167848, MedGen C0878544, MONDO:0004994, HP:0001638. Inheritance: Various modes of inheritance.
Arrhythmogenic right ventricular cardiomyopathy (ARVD). Also called: Cardiomyopathy, ARVC; Arrhythmogenic right ventricular dysplasia; Arrhythmogenic cardiomyopathy; Arrhythmogenic Right Ventricular Cardiomyopathy (ARVC). Identifiers: Orphanet 247, MedGen C0349788, MeSH D019571, MONDO:0016587. Disease mechanism: loss of function. Inheritance: Various modes of inheritance.

Allele frequency attached by ClinVar (database versions not stated): gnomAD exomes 0.00001.
gnomAD v4.1: 10 of 1,614,200 alleles (0.00062%); highest among the groups gnomAD compares: Non-Finnish European, 0.00085%; no homozygotes.

Submissions (4):

All of Us Research Program, National Institutes of Health
Classification: Uncertain significance for Arrhythmogenic right ventricular cardiomyopathy. Last evaluated: 2024-02-22. Review status: criteria provided, single submitter. Criteria: ACMG Guidelines, 2015. Collection method: clinical testing. Allele origin: germline. Inheritance: Autosomal dominant inheritance. Observed: 1 variant allele, 1 heterozygote.
Comment: This missense variant replaces glutamine with arginine at codon 557 of the DSG2 protein. Computational prediction suggests that this variant may not impact protein structure and function (internally defined REVEL score threshold <= 0.5, PMID: 27666373). To our knowledge, functional studies have not been reported for this variant. This variant has not been reported in individuals affected with DSG2-related disorders in the literature. This variant has not been identified in the general population by the Genome Aggregation Database (gnomAD). The available evidence is insufficient to determine the role of this variant in disease conclusively. Therefore, this variant is classified as a Variant of Uncertain Significance.

This study involves interpretation of variants in research participants for the purpose of population health screening. Participant phenotype was not available at the time of variant classification. Additional details can be found in publication PMID: 35346344, PMCID: PMC8962531

Color Diagnostics, LLC DBA Color Health
Classification: Uncertain significance for Cardiomyopathy. Last evaluated: 2024-01-30. Review status: criteria provided, single submitter. Criteria: ACMG Guidelines, 2015. Collection method: clinical testing. Allele origin: germline.
Comment: This missense variant replaces glutamine with arginine at codon 557 of the DSG2 protein. Computational prediction suggests that this variant may not impact protein structure and function. To our knowledge, functional studies have not been reported for this variant. This variant has not been reported in individuals affected with DSG2-related disorders in the literature. This variant has not been identified in the general population by the Genome Aggregation Database (gnomAD). The available evidence is insufficient to determine the role of this variant in disease conclusively. Therefore, this variant is classified as a Variant of Uncertain Significance.

Labcorp Genetics (formerly Invitae), Labcorp
Classification: Uncertain significance for Arrhythmogenic right ventricular dysplasia 10. Last evaluated: 2022-08-20. Review status: criteria provided, single submitter. Criteria: Invitae Variant Classification Sherloc (09022015). Collection method: clinical testing. Allele origin: germline.
Comment: Algorithms developed to predict the effect of missense changes on protein structure and function (SIFT, PolyPhen-2, Align-GVGD) all suggest that this variant is likely to be tolerated. In summary, the available evidence is currently insufficient to determine the role of this variant in disease. Therefore, it has been classified as a Variant of Uncertain Significance. This variant has not been reported in the literature in individuals affected with DSG2-related conditions. This sequence change replaces glutamine, which is neutral and polar, with arginine, which is basic and polar, at codon 557 of the DSG2 protein (p.Gln557Arg). This variant is not present in population databases (gnomAD no frequency).

Ambry Genetics
Classification: Uncertain significance for Cardiovascular phenotype. Last evaluated: 2022-06-22. Review status: criteria provided, single submitter. Criteria: Ambry Variant Classification Scheme 2023. Collection method: clinical testing. Allele origin: germline.
Comment: The p.Q557R variant (also known as c.1670A>G), located in coding exon 12 of the DSG2 gene, results from an A to G substitution at nucleotide position 1670. The glutamine at codon 557 is replaced by arginine, an amino acid with highly similar properties. This amino acid position is conserved. In addition, this alteration is predicted to be tolerated by in silico analysis. Since supporting evidence is limited at this time, the clinical significance of this alteration remains unclear.